The following is an entry in ClinVar:

ClinVar aggregate classification (germline): Likely benign. Review status: criteria provided, multiple submitters, no conflicts (2 of 4 stars). 2 submissions from 2 submitters: Likely benign (2). Last evaluated 2026-05-14.

Conditions:
Cohen syndrome (COH1). Also called: Cutis verticis gyrata, retinitis pigmentosa, and sensorineural deafness; PEPPER SYNDROME. Identifiers: Orphanet 193, MedGen C0265223, MONDO:0008999, OMIM 216550.
VPS13B-related disorder. Also called: VPS13B-related condition.

gnomAD v4.1: 1 of 1,613,860 alleles (0.000062%); highest among the groups gnomAD compares: Non-Finnish European, 0.000085%; no homozygotes.

Submissions (2):

PreventionGenetics, part of Exact Sciences
Classification: Likely benign for VPS13B-related condition. Last evaluated: 2026-05-14. Review status: criteria provided, single submitter. Criteria: ACMG Guidelines, 2015. Collection method: clinical testing. Allele origin: germline.
Comment: This variant is classified as likely benign based on ACMG/AMP sequence variant interpretation guidelines (Richards et al. 2015 PMID: 25741868, with internal and published modifications).

Labcorp Genetics (formerly Invitae), Labcorp
Classification: Likely benign for Cohen syndrome. Last evaluated: 2024-02-26. Review status: criteria provided, single submitter. Criteria: Invitae Variant Classification Sherloc (09022015). Collection method: clinical testing. Allele origin: germline.

NM_152564.5(VPS13B):c.9529C>T (p.Leu3177=)

Gene: VPS13B (vacuolar protein sorting 13 homolog B; plus strand). Cytogenetic location: 8q22.2.
Variant type: single nucleotide variant.
Coding change: c.9529C>T on transcript NM_152564.5 (MANE Select); coding-DNA position 9529, C replaced by T.
Protein change: p.Leu3177=; no amino-acid change (leucine 3177 retained).
Molecular consequence: synonymous variant.
Genome position (GRCh38, 1-based): chr8:99,832,567, C>T. VCF-style: chr8-99832567-C-T. GRCh37 (hg19) VCF-style: chr8-100844795-C-T.
Other names: c.9604C>T, p.Leu3202= (NM_017890.5).
Identifiers: ClinVar variation 2076364 (VCV002076364.5), dbSNP rs2492094756, ClinGen allele CA462457944.